The following is an entry in ClinVar:

NM_001350162.2(TEX15):c.4313G>T (p.Arg1438Ile)

Gene: TEX15 (testis expressed 15, meiosis and synapsis associated; minus strand). Cytogenetic location: 8p12.
Variant type: single nucleotide variant.
Coding change: c.4313G>T on transcript NM_001350162.2 (MANE Select); coding-DNA position 4313, G replaced by T.
Protein change: p.Arg1438Ile; replaces arginine 1438 with isoleucine.
Molecular consequence: missense variant.
Genome position (GRCh38, 1-based): chr8:30,845,854, C>A on the plus strand (G>T on the coding strand, the complement: TEX15 is on the minus strand). VCF-style: chr8-30845854-C-A. GRCh37 (hg19) VCF-style: chr8-30703370-C-A.
Other names: short protein forms R1438I.
Identifiers: ClinVar variation 5007299 (VCV005007299.2).

ClinVar aggregate classification (germline): Uncertain significance (1 of 4 stars; one submission).

Conditions:
Spermatogenic failure 25. Identifiers: MedGen C4693765, MONDO:0054729, OMIM 617960.

Submission:

Juno Genomics, Hangzhou Juno Genomics, Inc
Classification: Uncertain significance for Spermatogenic failure 25. Review status: criteria provided, single submitter. Criteria: ACMG Guidelines, 2015. Collection method: clinical testing. Allele origin: germline.
Comment: Absent from controls (or at extremely low frequency if recessive) in Genome Aggregation Database.